The following is an entry in ClinVar:

ClinVar aggregate classification (germline): Uncertain significance (1 of 4 stars; one submission).

Conditions:
Hereditary cancer-predisposing syndrome. Also called: Neoplastic Syndromes, Hereditary; Tumor predisposition; Hereditary neoplastic syndrome; Hereditary Cancer Syndrome. Identifiers: Orphanet 140162, MedGen C0027672, MeSH D009386, MONDO:0015356.
Cardiovascular phenotype. Identifiers: MedGen CN230736.

Submission:

Ambry Genetics
Classification: Uncertain significance for Cardiovascular phenotype; Hereditary cancer-predisposing syndrome. Last evaluated: 2023-01-16. Review status: criteria provided, single submitter. Criteria: Ambry Variant Classification Scheme 2023. Collection method: clinical testing. Allele origin: germline.
Comment: The p.N905S variant (also known as c.2714A>G), located in coding exon 21 of the NF1 gene, results from an A to G substitution at nucleotide position 2714. The asparagine at codon 905 is replaced by serine, an amino acid with highly similar properties. This amino acid position is conserved. In addition, this alteration is predicted to be tolerated by in silico analysis. Since supporting evidence is limited at this time, the clinical significance of this alteration remains unclear.

NM_001042492.3(NF1):c.2714A>G (p.Asn905Ser)

Gene: NF1 (neurofibromin 1; plus strand). Cytogenetic location: 17q11.2.
Variant type: single nucleotide variant.
Coding change: c.2714A>G on transcript NM_001042492.3 (MANE Select); coding-DNA position 2714, A replaced by G.
Protein change: p.Asn905Ser; replaces asparagine 905 with serine.
Molecular consequence: missense variant.
Genome position (GRCh38, 1-based): chr17:31,229,329, A>G. VCF-style: chr17-31229329-A-G. GRCh37 (hg19) VCF-style: chr17-29556347-A-G.
Other names: c.2714A>G, p.Asn905Ser (NM_000267.4); short protein forms N905S.
Identifiers: ClinVar variation 2452283 (VCV002452283.2), dbSNP rs2508187469, ClinGen allele CA398985106.